The following is an entry in ClinVar:

NM_001378969.1(KCND3):c.239A>G (p.Lys80Arg)

Gene: KCND3 (potassium voltage-gated channel subfamily D member 3; minus strand). Cytogenetic location: 1p13.2.
Variant type: single nucleotide variant.
Coding change: c.239A>G on transcript NM_001378969.1 (MANE Select); coding-DNA position 239, A replaced by G.
Protein change: p.Lys80Arg; replaces lysine 80 with arginine.
Molecular consequence: missense variant.
Genome position (GRCh38, 1-based): chr1:111,982,488, T>C on the plus strand (A>G on the coding strand, the complement: KCND3 is on the minus strand). VCF-style: chr1-111982488-T-C. GRCh37 (hg19) VCF-style: chr1-112525110-T-C.
Other names: c.239A>G, p.Lys80Arg (NM_001378970.1, NM_004980.5, NM_172198.3); short protein forms K80R.
Identifiers: ClinVar variation 2562841 (VCV002562841.2), dbSNP rs752869405, ClinGen allele CA1007629.

ClinVar aggregate classification (germline): Uncertain significance (1 of 4 stars; one submission).

Conditions:
Cardiovascular phenotype. Identifiers: MedGen CN230736.

Allele frequency attached by ClinVar (database versions not stated): ExAC 0.00001; gnomAD exomes 0.00001; TOPMed 0.00001.
gnomAD v4.1: 4 of 1,609,312 alleles (0.00025%); highest among the groups gnomAD compares: Admixed American, 0.0067%; no homozygotes.

Submission:

Ambry Genetics
Classification: Uncertain significance for Cardiovascular phenotype. Last evaluated: 2023-04-14. Review status: criteria provided, single submitter. Criteria: Ambry Variant Classification Scheme 2023. Collection method: clinical testing. Allele origin: germline.
Comment: The p.K80R variant (also known as c.239A>G), located in coding exon 1 of the KCND3 gene, results from an A to G substitution at nucleotide position 239. The lysine at codon 80 is replaced by arginine, an amino acid with highly similar properties. This amino acid position is conserved. In addition, this alteration is predicted to be tolerated by in silico analysis. Since supporting evidence is limited at this time, the clinical significance of this alteration remains unclear.